The following is an entry in ClinVar:

ClinVar aggregate classification (germline): Pathogenic (1 of 4 stars; one submission).

Conditions:
Familial cancer of breast. Also called: hereditary breast carcinoma; Hereditary breast cancer; BREAST CANCER, FAMILIAL. Identifiers: Orphanet 227535, MedGen C0346153, MONDO:0016419, OMIM 114480. Disease mechanism: loss of function.

Submission:

Labcorp Genetics (formerly Invitae), Labcorp
Classification: Pathogenic for Familial cancer of breast. Last evaluated: 2024-07-02. Review status: criteria provided, single submitter. Criteria: Invitae Variant Classification Sherloc (09022015). Collection method: clinical testing. Allele origin: germline.
Comment: This sequence change creates a premature translational stop signal (p.Leu63*) in the BARD1 gene. It is expected to result in an absent or disrupted protein product. Loss-of-function variants in BARD1 are known to be pathogenic (PMID: 20077502, 21344236). This variant is not present in population databases (gnomAD no frequency). This premature translational stop signal has been observed in individual(s) with breast cancer (PMID: 32427313). For these reasons, this variant has been classified as Pathogenic.

Literature cited by the submitters: PubMed 20077502; PubMed 21344236; PubMed 32427313.

NM_000465.4(BARD1):c.188T>A (p.Leu63Ter)

Gene: BARD1 (BRCA1 associated RING domain 1; minus strand). Cytogenetic location: 2q35.
Variant type: single nucleotide variant.
Coding change: c.188T>A on transcript NM_000465.4 (MANE Select); coding-DNA position 188, T replaced by A.
Protein change: p.Leu63Ter; replaces leucine 63 with a stop codon.
Molecular consequence: nonsense. On other transcripts: non-coding transcript variant (2), intron variant (2).
Genome position (GRCh38, 1-based): chr2:214,797,088, A>T on the plus strand (T>A on the coding strand, the complement: BARD1 is on the minus strand). VCF-style: chr2-214797088-A-T. GRCh37 (hg19) VCF-style: chr2-215661812-A-T.
Other names: c.188T>A, p.Leu63Ter (NM_001282545.2, NM_001282549.2); c.158+12324T>A (NM_001282548.2); c.159-4643T>A (NM_001282543.2); short protein forms L63*.
Identifiers: ClinVar variation 3668863 (VCV003668863.2).
Genomic context (GRCh38, chr2:214,797,088, plus strand): 5'-TTGTACTATATACATCAAACCGTAATTACTTACCTACAGAAGATGTGCTCACATCCTCCT[A>T]AACACACAGGCTCTCTCAGAATGTTAGTACTGTTTGAAGAAATTAAAACAATCAAGATTT-3'